The following is an entry in ClinVar:

ClinVar aggregate classification (germline): Uncertain significance (1 of 4 stars; one submission).

Conditions:
Ehlers-Danlos syndrome, type 4 (EDSVASC). Also called: Ehlers-Danlos Syndrome Type IV; Ehlers-Danlos syndrome vascular type; Ehlers Danlos syndrome, ecchymotic type; Ehlers Danlos syndrome, arterial type; Ehlers Danlos syndrome, Sack-Barabas type. Identifiers: Orphanet 286, MedGen C0268338, MONDO:0017314, OMIM 130050.

Allele frequency attached by ClinVar (database versions not stated): gnomAD 0.00001; TOPMed 0.00001.
gnomAD v4.1: 1 of 1,614,066 alleles (0.000062%); highest among the groups gnomAD compares: African/African-American, 0.0013%; no homozygotes.

Submission:

All of Us Research Program, National Institutes of Health
Classification: Uncertain significance for Ehlers-Danlos syndrome, type 4. Last evaluated: 2023-10-06. Review status: criteria provided, single submitter. Criteria: ACMG Guidelines, 2015. Collection method: clinical testing. Allele origin: germline. Inheritance: Autosomal dominant inheritance. Observed: 1 variant allele, 1 heterozygote.
Comment: This missense variant replaces alanine with valine at codon 1213 of the COL3A1 protein. Computational prediction tool suggests that this variant may not impact protein structure and function (internally defined REVEL score threshold <=0.5, PMID: 27666373). To our knowledge, functional studies have not been reported for this variant. This variant has not been reported in individuals affected with COL3A1-related disorders in the literature. This variant has not been identified in the general population by the Genome Aggregation Database (gnomAD). The available evidence is insufficient to determine the role of this variant in disease conclusively. Therefore, this variant is classified as a Variant of Uncertain Significance.

This study involves interpretation of variants in research participants for the purpose of population health screening. Participant phenotype was not available at the time of variant classification. Additional details can be found in publication PMID: 35346344, PMCID: PMC8962531

NM_000090.4(COL3A1):c.3638C>T (p.Ala1213Val)

Gene: COL3A1 (collagen type III alpha 1 chain; plus strand). Cytogenetic location: 2q32.2.
Variant type: single nucleotide variant.
Coding change: c.3638C>T on transcript NM_000090.4 (MANE Select); coding-DNA position 3638, C replaced by T.
Protein change: p.Ala1213Val; replaces alanine 1213 with valine.
Molecular consequence: missense variant.
Genome position (GRCh38, 1-based): chr2:189,009,036, C>T. VCF-style: chr2-189009036-C-T. GRCh37 (hg19) VCF-style: chr2-189873762-C-T.
Other names: short protein forms A1213V.
Identifiers: ClinVar variation 3073794 (VCV003073794.1), dbSNP rs1414222096, ClinGen allele CA349846816.